The following is an entry in ClinVar:

NM_002851.3(PTPRZ1):c.663G>T (p.Leu221=)

Gene: PTPRZ1 (protein tyrosine phosphatase receptor type Z1; plus strand). Cytogenetic location: 7q31.32.
Variant type: single nucleotide variant.
Coding change: c.663G>T on transcript NM_002851.3 (MANE Select); coding-DNA position 663, G replaced by T.
Protein change: p.Leu221=; no amino-acid change (leucine 221 retained).
Molecular consequence: synonymous variant.
Genome position (GRCh38, 1-based): chr7:121,983,708, G>T. VCF-style: chr7-121983708-G-T. GRCh37 (hg19) VCF-style: chr7-121623762-G-T.
Other names: c.663G>T, p.Leu221= (NM_001369395.1, LRG_1387t1, NM_001206838.2 and 1 more transcripts); c.621G>T, p.Leu207= (NM_001369396.1).
Identifiers: ClinVar variation 100842 (VCV000100842.2), dbSNP rs483352722, ClinGen allele CA229109.
Genomic context (GRCh38, chr7:121,983,708, plus strand): 5'-ATATTATTCCTTTTTAGGGAAGCAGGCTGCTTTAGATCCATTCATACTGTTGAACCTTCT[G>T]CCAAACTCAACTGACAAGTATTACATTTACAATGGCTCATTGACATCTCCTCCCTGCACA-3'
Protein context (NP_002842.2, residues 211-231): ALDPFILLNL[Leu221=]PNSTDKYYIY

ClinVar aggregate classification (germline): Uncertain significance. Review status: no assertion criteria provided (0 of 4 stars). 2 submissions from 1 submitter: Uncertain significance (1). 1 of the submissions does not count toward it.

Submissions (2):

Richard Lifton Laboratory, Yale University School of Medicine
Classification: Uncertain significance. Review status: no assertion criteria provided. Collection method: not provided. Allele origin: somatic.
Comment: PTPRZ1:p.L221L
ClinVar note: Converted during submission from unknown to Uncertain significance.

Richard Lifton Laboratory, Yale University School of Medicine
Classification: Uncertain significance. Review status: flagged submission. Collection method: not provided. Allele origin: somatic. Not counted in ClinVar's aggregate classification.
ClinVar note: Converted during submission from unknown to Uncertain significance.
ClinVar note: Reason: This record appears to be redundant with a more recent record from the same submitter.
ClinVar note: Notes: SCV000120066 appears to be redundant with SCV000155170.